The following is an entry in ClinVar:

NM_016333.4(SRRM2):c.7774G>A (p.Glu2592Lys)

Gene: SRRM2 (serine/arginine repetitive matrix 2; plus strand). Cytogenetic location: 16p13.3.
Variant type: single nucleotide variant.
Coding change: c.7774G>A on transcript NM_016333.4 (MANE Select); coding-DNA position 7774, G replaced by A.
Protein change: p.Glu2592Lys; replaces glutamic acid 2592 with lysine.
Molecular consequence: missense variant.
Genome position (GRCh38, 1-based): chr16:2,769,037, G>A. VCF-style: chr16-2769037-G-A. GRCh37 (hg19) VCF-style: chr16-2819038-G-A.
Other names: short protein forms E2592K.
Identifiers: ClinVar variation 3336247 (VCV003336247.1).

ClinVar aggregate classification (germline): Uncertain significance (1 of 4 stars; one submission).

Submission:

Women's Health and Genetics/Laboratory Corporation of America, LabCorp
Classification: Uncertain significance. Last evaluated: 2024-05-02. Review status: criteria provided, single submitter. Criteria: LabCorp Variant Classification Summary - May 2015. Collection method: clinical testing. Allele origin: germline.
Comment: Variant summary: SRRM2 c.7774G>A (p.Glu2592Lys) results in a conservative amino acid change in the encoded protein sequence. Four of five in-silico tools predict a benign effect of the variant on protein function. The variant was absent in 248728 control chromosomes. The available data on variant occurrences in the general population are insufficient to allow any conclusion about variant significance. To our knowledge, no occurrence of c.7774G>A in individuals affected with Intellectual Developmental Disorder, Autosomal Dominant 72 and no experimental evidence demonstrating its impact on protein function have been reported. No submitters have cited clinical-significance assessments for this variant to ClinVar. Based on the evidence outlined above, the variant was classified as uncertain significance.